The following is an entry in ClinVar:

ClinVar aggregate classification (germline): Uncertain significance. Review status: criteria provided, multiple submitters, no conflicts (2 of 4 stars). 4 submissions from 4 submitters: Uncertain significance (4). Last evaluated 2026-03-24.

Conditions:
DICER1-related disorder. Also called: DICER1-related condition.
Global developmental delay - lung cysts - overgrowth - Wilms tumor syndrome. Also called: GLOW Syndrome; GLOBAL DEVELOPMENTAL DELAY, LUNG CYSTS, OVERGROWTH, AND WILMS TUMOR. Identifiers: Orphanet 404476, MedGen C4748924, MONDO:0018445, OMIM 618272.
DICER1-related tumor predisposition. Also called: DICER1 syndrome; DICER1-related pleuropulmonary blastoma cancer predisposition syndrome. Identifiers: Orphanet 284343, MedGen C3839822, MONDO:0100216.
Hereditary cancer-predisposing syndrome. Also called: Tumor predisposition; Hereditary neoplastic syndrome; Neoplastic Syndromes, Hereditary; Hereditary Cancer Syndrome. Identifiers: Orphanet 140162, MedGen C0027672, MeSH D009386, MONDO:0015356.

Allele frequency attached by ClinVar (database versions not stated): gnomAD exomes below 0.00001; ExAC 0.00001; gnomAD 0.00001; TOPMed 0.00001.
gnomAD v4.1: 1 of 1,614,048 alleles (0.000062%); highest among the groups gnomAD compares: African/African-American, 0.0013%; no homozygotes.

Submissions (4):

PreventionGenetics, part of Exact Sciences
Classification: Uncertain significance for DICER1-related condition. Last evaluated: 2026-03-24. Review status: criteria provided, single submitter. Criteria: ACMG Guidelines, 2015. Collection method: clinical testing. Allele origin: germline.
Comment: The DICER1 c.3403C>A variant is predicted to result in the amino acid substitution p.Gln1135Lys. To our knowledge, this variant has not been reported in the literature. This variant is reported in 0.0062% of alleles in individuals of African descent in gnomAD. This variant is interpreted as uncertain in ClinVar (Variation ID: 543569). At this time, the clinical significance of this variant is uncertain due to the absence of conclusive functional and genetic evidence.

Labcorp Genetics (formerly Invitae), Labcorp
Classification: Uncertain significance for DICER1-related tumor predisposition. Last evaluated: 2025-11-23. Review status: criteria provided, single submitter. Criteria: Invitae Variant Classification Sherloc (09022015). Collection method: clinical testing. Allele origin: germline.
Comment: This sequence change replaces glutamine, which is neutral and polar, with lysine, which is basic and polar, at codon 1135 of the DICER1 protein (p.Gln1135Lys). This variant is present in population databases (rs755711684, gnomAD 0.007%). This variant has not been reported in the literature in individuals affected with DICER1-related conditions. ClinVar contains an entry for this variant (Variation ID: 543569). Invitae Evidence Modeling of protein sequence and biophysical properties (such as structural, functional, and spatial information, amino acid conservation, physicochemical variation, residue mobility, and thermodynamic stability) indicates that this missense variant is not expected to disrupt DICER1 protein function with a negative predictive value of 95%. In summary, the available evidence is currently insufficient to determine the role of this variant in disease. Therefore, it has been classified as a Variant of Uncertain Significance.

Baylor Genetics
Classification: Uncertain significance for Global developmental delay - lung cysts - overgrowth - Wilms tumor syndrome. Last evaluated: 2024-02-16. Review status: criteria provided, single submitter. Criteria: ACMG Guidelines, 2015. Collection method: clinical testing. Allele origin: unknown.

Ambry Genetics
Classification: Uncertain significance for Hereditary cancer-predisposing syndrome. Last evaluated: 2023-12-26. Review status: criteria provided, single submitter. Criteria: Ambry Variant Classification Scheme 2023. Collection method: clinical testing. Allele origin: germline.
Comment: The p.Q1135K variant (also known as c.3403C>A), located in coding exon 20 of the DICER1 gene, results from a C to A substitution at nucleotide position 3403. The glutamine at codon 1135 is replaced by lysine, an amino acid with similar properties. This amino acid position is poorly conserved in available vertebrate species. In addition, this alteration is predicted to be tolerated by in silico analysis. Since supporting evidence is limited at this time, the clinical significance of this alteration remains unclear.

NM_177438.3(DICER1):c.3403C>A (p.Gln1135Lys)

Gene: DICER1 (dicer 1, ribonuclease III; minus strand). Cytogenetic location: 14q32.13.
Variant type: single nucleotide variant.
Coding change: c.3403C>A on transcript NM_177438.3 (MANE Select); coding-DNA position 3403, C replaced by A.
Protein change: p.Gln1135Lys; replaces glutamine 1135 with lysine.
Molecular consequence: missense variant.
Genome position (GRCh38, 1-based): chr14:95,103,993, G>T on the plus strand (C>A on the coding strand, the complement: DICER1 is on the minus strand). VCF-style: chr14-95103993-G-T. GRCh37 (hg19) VCF-style: chr14-95570330-G-T.
Other names: c.3403C>A, p.Gln1135Lys (NM_001195573.1, NM_001271282.3, NM_001291628.2 and 1 more transcripts); short protein forms Q1135K.
Identifiers: ClinVar variation 543569 (VCV000543569.17), dbSNP rs755711684, ClinGen allele CA7331044.
Genomic context (GRCh38, chr14:95,103,993, plus strand): 5'-TTCTGCAGTTCACAGACATTTGGTCATGATTTTCTAGAGAGGAGGTTCTATTAGCACCTT[G>T]ATGTGCAGCATTTTCAGGGACAATTGTGCTGTGCTTACAGTAATTATCATTTTCAGCTGA-3'
Protein context (NP_803187.1, residues 1125-1145): STIVPENAAH[Gln1135Lys]GANRTSSLEN